The following is an entry in ClinVar:

NM_006180.6(NTRK2):c.2164T>G (p.Tyr722Asp)

Gene: NTRK2 (neurotrophic receptor tyrosine kinase 2; plus strand). Cytogenetic location: 9q21.33.
Variant type: single nucleotide variant.
Coding change: c.2164T>G on transcript NM_006180.6 (MANE Select); coding-DNA position 2164, T replaced by G.
Protein change: p.Tyr722Asp; replaces tyrosine 722 with aspartic acid.
Molecular consequence: missense variant.
Genome position (GRCh38, 1-based): chr9:84,955,509, T>G. VCF-style: chr9-84955509-T-G. GRCh37 (hg19) VCF-style: chr9-87570424-T-G.
Other names: c.2116T>G, p.Tyr706Asp (NM_001018064.3, NM_001369532.1, NM_001369533.1); c.2080T>G, p.Tyr694Asp (NM_001369534.1); c.1648T>G, p.Tyr550Asp (NM_001369535.1); c.1696T>G, p.Tyr566Asp (NM_001369536.1); c.2164T>G, p.Tyr722Asp (NM_001381928.1); short protein forms Y550D, Y694D, Y722D, Y566D, Y706D.
Identifiers: ClinVar variation 2810275 (VCV002810275.4), dbSNP rs2132979778, ClinGen allele CA374010394.

ClinVar aggregate classification (germline): Conflicting classifications of pathogenicity. Review status: criteria provided, conflicting classifications (1 of 4 stars). 2 submissions from 2 submitters: Likely pathogenic (1); Uncertain significance (1). Last evaluated 2024-02-13.

Conditions:
Obesity, hyperphagia, and developmental delay (OBHD). Identifiers: Orphanet 99704, MedGen C3151303, MONDO:0013483, OMIM 613886.

Submissions (2):

Institute of Human Genetics, University of Leipzig Medical Center
Classification: Likely pathogenic for Obesity, hyperphagia, and developmental delay. Last evaluated: 2024-02-13. Review status: criteria provided, single submitter. Criteria: ACMG Guidelines, 2015. Collection method: clinical testing. Allele origin: de novo. Inheritance: Autosomal dominant inheritance. Affected: yes. Observed: 1 variant allele.
Comment: Criteria applied: PS2_Mod, PM2_Sup, PM5, PP2, PP3

Labcorp Genetics (formerly Invitae), Labcorp
Classification: Uncertain significance. Last evaluated: 2022-10-27. Review status: criteria provided, single submitter. Criteria: Invitae Variant Classification Sherloc (09022015). Collection method: clinical testing. Allele origin: germline.
Comment: This sequence change replaces tyrosine, which is neutral and polar, with aspartic acid, which is acidic and polar, at codon 722 of the NTRK2 protein (p.Tyr722Asp). This variant is not present in population databases (gnomAD no frequency). In summary, the available evidence is currently insufficient to determine the role of this variant in disease. Therefore, it has been classified as a Variant of Uncertain Significance. This variant disrupts the p.Tyr722 amino acid residue in NTRK2. Other variant(s) that disrupt this residue have been determined to be pathogenic (PMID: 15494731). This suggests that this residue is clinically significant, and that variants that disrupt this residue are likely to be disease-causing. Advanced modeling of protein sequence and biophysical properties (such as structural, functional, and spatial information, amino acid conservation, physicochemical variation, residue mobility, and thermodynamic stability) has been performed at Invitae for this missense variant, however the output from this modeling did not meet the statistical confidence thresholds required to predict the impact of this variant on NTRK2 protein function. This variant has not been reported in the literature in individuals affected with NTRK2-related conditions.

Literature cited by the submitters: PubMed 15494731 (cited by Labcorp Genetics (formerly Invitae), Labcorp).